The following is an entry in ClinVar:

NM_006922.4(SCN3A):c.1844A>G (p.His615Arg)

Gene: SCN3A (sodium voltage-gated channel alpha subunit 3; minus strand). Cytogenetic location: 2q24.3.
Variant type: single nucleotide variant.
Coding change: c.1844A>G on transcript NM_006922.4 (MANE Select); coding-DNA position 1844, A replaced by G.
Protein change: p.His615Arg; replaces histidine 615 with arginine.
Molecular consequence: missense variant.
Genome position (GRCh38, 1-based): chr2:165,140,826, T>C on the plus strand (A>G on the coding strand, the complement: SCN3A is on the minus strand). VCF-style: chr2-165140826-T-C. GRCh37 (hg19) VCF-style: chr2-165997336-T-C.
Other names: c.1844A>G, p.His615Arg (NM_001081676.2, NM_001081677.2); short protein forms H615R.
Identifiers: ClinVar variation 3338616 (VCV003338616.1).
Genomic context (GRCh38, chr2:165,140,826, plus strand): 5'-ACCATCCTGGATGACATACTGGCCTGACTAACGTTACTGTTGCGTCGCTCTCCATGTCTG[T>C]GCGGCACAAACAGTGAGTCTCTCCTGCTTTCGCTGTCTTCAAATGTGCTGTGTTCATCAT-3'
Protein context (NP_008853.3, residues 605-625): ESRRDSLFVP[His615Arg]RHGERRNSNV

ClinVar aggregate classification (germline): Uncertain significance (1 of 4 stars; one submission).

Submission:

Greenwood Genetic Center Diagnostic Laboratories, Greenwood Genetic Center
Classification: Uncertain significance. Last evaluated: 2024-04-04. Review status: criteria provided, single submitter. Criteria: ACMG Guidelines, 2015. Collection method: clinical testing. Allele origin: germline. Affected: yes.
Comment: PM2